The following is an entry in ClinVar:

ClinVar aggregate classification (germline): Uncertain significance (1 of 4 stars; one submission).

Conditions:
Cognitive impairment - coarse facies - heart defects - obesity - pulmonary involvement - short stature - skeletal dysplasia syndrome. Also called: COGNITIVE IMPAIRMENT, COARSE FACIES, HEART DEFECTS, OBESITY, PULMONARY INVOLVEMENT, SHORT STATURE, AND SKELETAL DYSPLASIA; Chops syndrome; AFF4-Related CHOPS Syndrome. Identifiers: Orphanet 444077, MedGen C4085597, MONDO:0014609, OMIM 616368.

Submission:

Labcorp Genetics (formerly Invitae), Labcorp
Classification: Uncertain significance for Cognitive impairment - coarse facies - heart defects - obesity - pulmonary involvement - short stature - skeletal dysplasia syndrome. Last evaluated: 2025-04-17. Review status: criteria provided, single submitter. Criteria: Invitae Variant Classification Sherloc (09022015). Collection method: clinical testing. Allele origin: germline.
Comment: This sequence change replaces alanine, which is neutral and non-polar, with serine, which is neutral and polar, at codon 593 of the AFF4 protein (p.Ala593Ser). This variant is not present in population databases (gnomAD no frequency). This variant has not been reported in the literature in individuals affected with AFF4-related conditions. ClinVar contains an entry for this variant (Variation ID: 3665440). Invitae Evidence Modeling of protein sequence and biophysical properties (such as structural, functional, and spatial information, amino acid conservation, physicochemical variation, residue mobility, and thermodynamic stability) indicates that this missense variant is not expected to disrupt AFF4 protein function with a negative predictive value of 80%. In summary, the available evidence is currently insufficient to determine the role of this variant in disease. Therefore, it has been classified as a Variant of Uncertain Significance.

NM_014423.4(AFF4):c.1777G>T (p.Ala593Ser)

Gene: AFF4 (ALF transcription elongation factor 4; minus strand). Cytogenetic location: 5q31.1.
Variant type: single nucleotide variant.
Coding change: c.1777G>T on transcript NM_014423.4 (MANE Select); coding-DNA position 1777, G replaced by T.
Protein change: p.Ala593Ser; replaces alanine 593 with serine.
Molecular consequence: missense variant.
Genome position (GRCh38, 1-based): chr5:132,896,853, C>A on the plus strand (G>T on the coding strand, the complement: AFF4 is on the minus strand). VCF-style: chr5-132896853-C-A. GRCh37 (hg19) VCF-style: chr5-132232545-C-A.
Other names: short protein forms A593S.
Identifiers: ClinVar variation 3665440 (VCV003665440.2).